The following is an entry in ClinVar:

NM_000516.7(GNAS):c.344_345insT (p.Val117fs)

Gene: GNAS (GNAS complex locus; plus strand). Cytogenetic location: 20q13.32.
Variant type: Insertion.
Coding change: c.344_345insT on transcript NM_000516.7 (MANE Select); coding-DNA positions 344 to 345, T inserted.
Protein change: p.Val117fs; shifts the reading frame from valine 117.
Molecular consequence: frameshift variant. On other transcripts: 3 prime UTR variant (2).
Genome position: GRCh38 VCF-style: chr20-58903703-C-CT. GRCh37 (hg19) VCF-style: chr20-57478758-C-CT.
Other names: c.347_348insT, p.Val118fs (NM_001077488.5); c.299_300insT, p.Val102fs (NM_001077489.4); c.*205_*206insT (NM_001077490.3); c.167_168insT, p.Val58fs (NM_001309840.2, NM_001309861.2, NM_001438276.1 and 1 more transcripts); c.248_249insT, p.Val85fs (NM_001410912.1); c.2228_2229insT, p.Val745fs (NM_001410913.1); c.122_123insT, p.Val43fs (NM_001438273.1, NM_001438274.1, NM_001438275.1); c.*250_*251insT (NM_016592.5); and 2 more; short protein forms V102fs, V43fs, V745fs, V760fs, V103fs, V117fs, V118fs, V85fs.
Identifiers: ClinVar variation 4710589 (VCV004710589.2).

ClinVar aggregate classification (germline): Pathogenic. Review status: criteria provided, multiple submitters, no conflicts (2 of 4 stars). 2 submissions from 2 submitters: Pathogenic (2). Last evaluated 2025-04-07.

Conditions:
GNAS-related disorder. Identifiers: MedGen CN380105.

Submissions (2):

Labcorp Genetics (formerly Invitae), Labcorp
Classification: Pathogenic. Last evaluated: 2025-04-07. Review status: criteria provided, single submitter. Criteria: Invitae Variant Classification Sherloc (09022015). Collection method: clinical testing. Allele origin: germline.
Comment: This sequence change creates a premature translational stop signal (p.Val117Argfs*23) in the GNAS gene. It is expected to result in an absent or disrupted protein product. Loss-of-function variants in GNAS are known to be pathogenic (PMID: 11784876, 23281139, 23796510, 25802881). This variant is not present in population databases (gnomAD no frequency). This premature translational stop signal has been observed in individual(s) with progressive osseous heteroplasia (PMID: 11784876). For these reasons, this variant has been classified as Pathogenic.

Blueprint Genetics
Classification: Pathogenic for GNAS-related disorders. Last evaluated: 2022-07-04. Review status: criteria provided, single submitter. Criteria: ACMG Guidelines, 2015. Collection method: clinical testing. Allele origin: germline. Affected: yes. Observed: 1 variant allele.

Literature cited by the submitters: PubMed 11784876 (cited by Labcorp Genetics (formerly Invitae), Labcorp); PubMed 23281139 (cited by Labcorp Genetics (formerly Invitae), Labcorp); PubMed 23796510 (cited by Labcorp Genetics (formerly Invitae), Labcorp); PubMed 25802881 (cited by Labcorp Genetics (formerly Invitae), Labcorp).